The following is an entry in ClinVar:

NM_000038.6(APC):c.1127G>A (p.Ser376Asn)

Gene: APC (APC regulator of Wnt signaling pathway; plus strand). Cytogenetic location: 5q22.2.
Variant type: single nucleotide variant.
Coding change: c.1127G>A on transcript NM_000038.6 (MANE Select); coding-DNA position 1127, G replaced by A.
Protein change: p.Ser376Asn; replaces serine 376 with asparagine.
Molecular consequence: missense variant. On other transcripts: intron variant (4).
Genome position (GRCh38, 1-based): chr5:112,819,159, G>A. VCF-style: chr5-112819159-G-A. GRCh37 (hg19) VCF-style: chr5-112154856-G-A.
Other names: c.1127G>A (NM_000038.5); c.1127G>A, p.Ser376Asn (NM_001127510.3, NM_001354895.2, NM_001354896.2); c.1073G>A, p.Ser358Asn (NM_001127511.3); c.1157G>A, p.Ser386Asn (NM_001354897.2); c.1052G>A, p.Ser351Asn (NM_001354898.2); c.1043G>A, p.Ser348Asn (NM_001354899.2); c.950G>A, p.Ser317Asn (NM_001354900.2, NM_001354901.2); c.278G>A, p.Ser93Asn (NM_001354906.2); and 4 more; short protein forms S317N, S348N, S351N, S358N, S376N, S386N, S93N.
Identifiers: ClinVar variation 1017795 (VCV001017795.49), dbSNP rs1762840503, ClinGen allele CA16023773.

ClinVar aggregate classification (germline): Uncertain significance. Review status: criteria provided, multiple submitters, no conflicts (2 of 4 stars). 2 submissions from 2 submitters: Uncertain significance (2). Last evaluated 2025-08-28.

Conditions:
Familial adenomatous polyposis 1 (FAP1). Also called: POLYPOSIS, ADENOMATOUS INTESTINAL; FAMILIAL ADENOMATOUS POLYPOSIS 1, ATTENUATED. Identifiers: MedGen C2713442, MONDO:0021056, OMIM 175100. Disease mechanism: loss of function.

Submissions (2):

Labcorp Genetics (formerly Invitae), Labcorp
Classification: Uncertain significance for Familial adenomatous polyposis 1. Last evaluated: 2025-08-28. Review status: criteria provided, single submitter. Criteria: Invitae Variant Classification Sherloc (09022015). Collection method: clinical testing. Allele origin: germline.
Comment: This sequence change replaces serine, which is neutral and polar, with asparagine, which is neutral and polar, at codon 376 of the APC protein (p.Ser376Asn). This variant is not present in population databases (gnomAD no frequency). This variant has not been reported in the literature in individuals affected with APC-related conditions. ClinVar contains an entry for this variant (Variation ID: 1017795). Invitae Evidence Modeling of protein sequence and biophysical properties (such as structural, functional, and spatial information, amino acid conservation, physicochemical variation, residue mobility, and thermodynamic stability) indicates that this missense variant is not expected to disrupt APC protein function with a negative predictive value of 95%. In summary, the available evidence is currently insufficient to determine the role of this variant in disease. Therefore, it has been classified as a Variant of Uncertain Significance.

GeneDx
Classification: Uncertain significance. Last evaluated: 2025-06-09. Review status: criteria provided, single submitter. Criteria: GeneDx Variant Classification Process June 2021. Collection method: clinical testing. Allele origin: germline. Affected: yes.
Comment: Not observed at significant frequency in large population cohorts (gnomAD); In silico analysis supports that this missense variant has a deleterious effect on protein structure/function; Has not been previously published as pathogenic or benign to our knowledge